The following is an entry in ClinVar:

NM_000218.3(KCNQ1):c.40C>A (p.Arg14Ser)

Gene: KCNQ1 (potassium voltage-gated channel subfamily Q member 1; plus strand). Cytogenetic location: 11p15.5.
Variant type: single nucleotide variant.
Coding change: c.40C>A on transcript NM_000218.3 (MANE Select); coding-DNA position 40, C replaced by A.
Protein change: p.Arg14Ser; replaces arginine 14 with serine.
Molecular consequence: missense variant. On other transcripts: 5 prime UTR variant (1).
Genome position (GRCh38, 1-based): chr11:2,445,138, C>A. VCF-style: chr11-2445138-C-A. GRCh37 (hg19) VCF-style: chr11-2466368-C-A.
Other names: c.40C>A, p.Arg14Ser (NM_001406836.1, NM_001406838.1); c.-323C>A (NM_001406837.1); short protein forms R14S.
Identifiers: ClinVar variation 3287724 (VCV003287724.1).

ClinVar aggregate classification (germline): Uncertain significance (1 of 4 stars; one submission).

Conditions:
Cardiovascular phenotype. Identifiers: MedGen CN230736.

gnomAD v4.1: 3 of 1,123,338 alleles (0.00027%); highest among the groups gnomAD compares: African/African-American, 0.005%; no homozygotes.

Submission:

Ambry Genetics
Classification: Uncertain significance for Cardiovascular phenotype. Last evaluated: 2024-04-22. Review status: criteria provided, single submitter. Criteria: Ambry Variant Classification Scheme 2023. Collection method: clinical testing. Allele origin: germline.
Comment: The p.R14S variant (also known as c.40C>A), located in coding exon 1 of the KCNQ1 gene, results from a C to A substitution at nucleotide position 40. The arginine at codon 14 is replaced by serine, an amino acid with dissimilar properties. This amino acid position is highly conserved in available vertebrate species. In addition, the in silico prediction for this alteration is inconclusive. Based on the available evidence, the clinical significance of this variant remains unclear.